The following is an entry in ClinVar:

ClinVar aggregate classification (germline): Uncertain significance (1 of 4 stars; one submission).

Conditions:
Neuropathy, hereditary sensory and autonomic, type 1C. Also called: HSAN IC; HSN IC. Identifiers: Orphanet 36386, MedGen C3150896, MONDO:0013337, OMIM 613640.

Submission:

Labcorp Genetics (formerly Invitae), Labcorp
Classification: Uncertain significance for Neuropathy, hereditary sensory and autonomic, type 1C. Last evaluated: 2024-06-09. Review status: criteria provided, single submitter. Criteria: Invitae Variant Classification Sherloc (09022015). Collection method: clinical testing. Allele origin: germline.
Comment: This sequence change replaces glycine, which is neutral and non-polar, with arginine, which is basic and polar, at codon 228 of the SPTLC2 protein (p.Gly228Arg). This variant is not present in population databases (gnomAD no frequency). This variant has not been reported in the literature in individuals affected with SPTLC2-related conditions. Advanced modeling of protein sequence and biophysical properties (such as structural, functional, and spatial information, amino acid conservation, physicochemical variation, residue mobility, and thermodynamic stability) performed at Invitae indicates that this missense variant is not expected to disrupt SPTLC2 protein function with a negative predictive value of 80%. In summary, the available evidence is currently insufficient to determine the role of this variant in disease. Therefore, it has been classified as a Variant of Uncertain Significance.

NM_004863.4(SPTLC2):c.682G>A (p.Gly228Arg)

Gene: SPTLC2 (serine palmitoyltransferase long chain base subunit 2; minus strand). Cytogenetic location: 14q24.3.
Variant type: single nucleotide variant.
Coding change: c.682G>A on transcript NM_004863.4 (MANE Select); coding-DNA position 682, G replaced by A.
Protein change: p.Gly228Arg; replaces glycine 228 with arginine.
Molecular consequence: missense variant.
Genome position (GRCh38, 1-based): chr14:77,570,458, C>T on the plus strand (G>A on the coding strand, the complement: SPTLC2 is on the minus strand). VCF-style: chr14-77570458-C-T. GRCh37 (hg19) VCF-style: chr14-78036801-C-T.
Other names: short protein forms G228R.
Identifiers: ClinVar variation 3673237 (VCV003673237.2).